The following is an entry in ClinVar:

ClinVar aggregate classification (germline): Uncertain significance (1 of 4 stars; one submission).

Submission:

Labcorp Genetics (formerly Invitae), Labcorp
Classification: Uncertain significance. Last evaluated: 2022-01-02. Review status: criteria provided, single submitter. Criteria: Invitae Variant Classification Sherloc (09022015). Collection method: clinical testing. Allele origin: germline.
Comment: In summary, the available evidence is currently insufficient to determine the role of this variant in disease. Therefore, it has been classified as a Variant of Uncertain Significance. Algorithms developed to predict the effect of missense changes on protein structure and function are either unavailable or do not agree on the potential impact of this missense change (SIFT: "Deleterious"; PolyPhen-2: "Probably Damaging"; Align-GVGD: "Class C0"). This variant has not been reported in the literature in individuals affected with SLC39A7-related conditions. This variant is not present in population databases (gnomAD no frequency). This sequence change replaces leucine, which is neutral and non-polar, with proline, which is neutral and non-polar, at codon 450 of the SLC39A7 protein (p.Leu450Pro).

NM_006979.3(SLC39A7):c.1349T>C (p.Leu450Pro)

Gene: SLC39A7 (solute carrier family 39 member 7; plus strand). Cytogenetic location: 6p21.32.
Variant type: single nucleotide variant.
Coding change: c.1349T>C on transcript NM_006979.3 (MANE Select); coding-DNA position 1349, T replaced by C.
Protein change: p.Leu450Pro; replaces leucine 450 with proline.
Molecular consequence: missense variant.
Genome position (GRCh38, 1-based): chr6:33,203,752, T>C. VCF-style: chr6-33203752-T-C. GRCh37 (hg19) VCF-style: chr6-33171529-T-C.
Other names: c.1349T>C, p.Leu450Pro (NM_001077516.2); c.974T>C, p.Leu325Pro (NM_001288777.2); short protein forms L325P, L450P.
Identifiers: ClinVar variation 2069945 (VCV002069945.4), dbSNP rs2535795715, ClinGen allele CA363651549.